The following is an entry in ClinVar:

NM_001374828.1(ARID1B):c.1303GGC[4] (p.Gly439_Gly440del)

Gene: ARID1B (AT-rich interaction domain 1B; plus strand). Cytogenetic location: 6q25.3.
Variant type: Microsatellite.
Coding change: c.1303GGC[4] on transcript NM_001374828.1 (MANE Select); four copies in a row of the 3-base unit GGC starting at c.1303; the reference has six copies in a row; two copies, 6 bases deleted.
Protein change: p.Gly439_Gly440del.
Molecular consequence: inframe deletion.
Genome position (GRCh38, 1-based): chr6:156,778,995-156,779,000, GGCGGC deleted; deleting any 6 consecutive bases within chr6:156,778,983-156,779,000 gives the same sequence; the position shown is the placement nearest the transcript's 3' end. VCF-style (leftmost placement, unchanged base first): chr6-156778982-AGGCGGC-A. GRCh37 (hg19) VCF-style: chr6-157100116-AGGCGGC-A.
Other names: c.1066_1071del (NM_020732.3); c.1303GGC[4], p.Gly439_Gly440del (NM_001371656.1, NM_001374820.1, NM_017519.3); c.1066_1071delGGCGGC (NM_020732.3); c.1066_1071del6 (NM_020732.3).
Identifiers: ClinVar variation 434356 (VCV000434356.54), dbSNP rs797045268, ClinGen allele CA150802770.

ClinVar aggregate classification (germline): Likely benign. Review status: criteria provided, multiple submitters, no conflicts (2 of 4 stars). 7 submissions from 7 submitters: Likely benign (7). Last evaluated 2026-03-23.

Conditions:
Inborn genetic diseases. Identifiers: MedGen C0950123, MeSH D030342.
ARID1B-Related Disorder. Identifiers: MedGen CN381337.

Submissions (7):

PreventionGenetics, part of Exact Sciences
Classification: Likely benign for ARID1B-related condition. Last evaluated: 2026-03-23. Review status: criteria provided, single submitter. Criteria: ACMG Guidelines, 2015. Collection method: clinical testing. Allele origin: germline.
Comment: This variant is classified as likely benign based on ACMG/AMP sequence variant interpretation guidelines (Richards et al. 2015 PMID: 25741868, with internal and published modifications).

Labcorp Genetics (formerly Invitae), Labcorp
Classification: Likely benign. Last evaluated: 2025-12-29. Review status: criteria provided, single submitter. Criteria: Invitae Variant Classification Sherloc (09022015). Collection method: clinical testing. Allele origin: germline.

Blueprint Genetics
Classification: Likely benign. Last evaluated: 2024-09-06. Review status: criteria provided, single submitter. Criteria: ACMG Guidelines, 2015. Collection method: clinical testing. Allele origin: germline.

GeneDx
Classification: Likely benign. Last evaluated: 2022-11-17. Review status: criteria provided, single submitter. Criteria: GeneDx Variant Classification Process June 2021. Collection method: clinical testing. Allele origin: germline. Affected: yes.
Comment: See Variant Classification Assertion Criteria.

CeGaT Center for Human Genetics Tuebingen
Classification: Likely benign. Last evaluated: 2021-08-01. Review status: criteria provided, single submitter. Criteria: CeGaT Center For Human Genetics Tuebingen Variant Classification Criteria Version 2. Collection method: clinical testing. Allele origin: germline. Affected: yes. Observed: 1 variant allele.

Ambry Genetics
Classification: Likely benign for Inborn genetic diseases. Last evaluated: 2019-08-22. Review status: criteria provided, single submitter. Criteria: Ambry Variant Classification Scheme 2023. Collection method: clinical testing. Allele origin: germline.

Genetic Services Laboratory, University of Chicago
Classification: Likely benign. Last evaluated: 2016-05-12. Review status: criteria provided, single submitter. Criteria: ACMG Guidelines, 2015. Collection method: clinical testing. Allele origin: germline. Affected: no.